The following is an entry in ClinVar:

NM_182931.3(KMT2E):c.1988A>T (p.Gln663Leu)

Gene: KMT2E (lysine methyltransferase 2E (inactive); plus strand). Cytogenetic location: 7q22.3.
Variant type: single nucleotide variant.
Coding change: c.1988A>T on transcript NM_182931.3 (MANE Select); coding-DNA position 1988, A replaced by T.
Protein change: p.Gln663Leu; replaces glutamine 663 with leucine.
Molecular consequence: missense variant.
Genome position (GRCh38, 1-based): chr7:105,101,986, A>T. VCF-style: chr7-105101986-A-T. GRCh37 (hg19) VCF-style: chr7-104742433-A-T.
Other names: c.1988A>T, p.Gln663Leu (NM_001410908.1, NM_018682.4); short protein forms Q663L.
Identifiers: ClinVar variation 3360959 (VCV003360959.2).
Genomic context (GRCh38, chr7:105,101,986, plus strand): 5'-CCAAAGTAAATAGAACTAAACAGAGAAAAAGTTTTTCTCGGAGTAGGACTCACATTGGAC[A>T]GCAGCGTCGGAGACACAGAACTGTCAGCATGTGTTCAGATATCCAGCCATCTTCTCCTGA-3'
Protein context (NP_891847.1, residues 653-673): SFSRSRTHIG[Gln663Leu]QRRRHRTVSM

ClinVar aggregate classification (germline): Uncertain significance (1 of 4 stars; one submission).

gnomAD v4.1: 1 of 1,614,052 alleles (0.000062%); highest among the groups gnomAD compares: Non-Finnish European, 0.000085%; no homozygotes.

Submission:

GeneDx
Classification: Uncertain significance. Last evaluated: 2026-07-01. Review status: criteria provided, single submitter. Criteria: GeneDx Variant Classification Process June 2021. Collection method: clinical testing. Allele origin: germline.
Comment: Not observed at significant frequency in large population cohorts (gnomAD); In silico analysis supports that this missense variant has a deleterious effect on protein structure/function; Has not been previously published as pathogenic or benign to our knowledge